The following is an entry in ClinVar:

ClinVar aggregate classification (germline): Likely benign (0 of 4 stars; one submission).

Conditions:
VPS13D-related disorder. Also called: VPS13D-related condition.

Allele frequency attached by ClinVar (database versions not stated): TOPMed 0.00002; gnomAD 0.00003; gnomAD exomes 0.00004; ExAC 0.00011; 1000 Genomes Project 0.00020; 1000 Genomes Project 30x 0.00031.
gnomAD v4.1: 67 of 1,614,130 alleles (0.0042%); highest among the groups gnomAD compares: South Asian, 0.054%; no homozygotes.

Submission:

PreventionGenetics, part of Exact Sciences
Classification: Likely benign for VPS13D-related condition. Last evaluated: 2022-09-15. Review status: no assertion criteria provided. Collection method: clinical testing. Allele origin: germline.
Comment: This variant is classified as likely benign based on ACMG/AMP sequence variant interpretation guidelines (Richards et al. 2015 PMID: 25741868, with internal and published modifications).

NM_015378.4(VPS13D):c.3177C>T (p.Asn1059=)

Gene: VPS13D (vacuolar protein sorting 13 homolog D; plus strand). Cytogenetic location: 1p36.22.
Variant type: single nucleotide variant.
Coding change: c.3177C>T on transcript NM_015378.4 (MANE Select); coding-DNA position 3177, C replaced by T.
Protein change: p.Asn1059=; no amino-acid change (asparagine 1059 retained).
Molecular consequence: synonymous variant.
Genome position (GRCh38, 1-based): chr1:12,276,765, C>T. VCF-style: chr1-12276765-C-T. GRCh37 (hg19) VCF-style: chr1-12336822-C-T.
Other names: c.3177C>T, p.Asn1059= (NM_018156.4).
Identifiers: ClinVar variation 3029543 (VCV003029543.2), dbSNP rs542724851, ClinGen allele CA601937.